The following is an entry in ClinVar:

NM_018896.5(CACNA1G):c.2116C>T (p.Arg706Trp)

Gene: CACNA1G (calcium voltage-gated channel subunit alpha1 G; plus strand). Cytogenetic location: 17q21.33.
Variant type: single nucleotide variant.
Coding change: c.2116C>T on transcript NM_018896.5 (MANE Select); coding-DNA position 2116, C replaced by T.
Protein change: p.Arg706Trp; replaces arginine 706 with tryptophan.
Molecular consequence: missense variant. On other transcripts: non-coding transcript variant (5).
Genome position (GRCh38, 1-based): chr17:50,578,379, C>T. VCF-style: chr17-50578379-C-T. GRCh37 (hg19) VCF-style: chr17-48655740-C-T.
Other names: c.2116C>T, p.Arg706Trp (NM_198378.3, NM_198379.3, NM_198380.3 and 24 more transcripts); short protein forms R706W.
Identifiers: ClinVar variation 1314705 (VCV001314705.4), dbSNP rs767949010, ClinGen allele CA8652334.
Genomic context (GRCh38, chr17:50,578,379, plus strand): 5'-CCTGACTCAGACAGCGAGGCAGTTTATGAGTTCACACAGGATGCCCAGCACAGCGACCTC[C>T]GGGACCCCCACAGCCGGCGGCAACGGAGCCTGGGCCCAGATGCAGAGCCCAGCTCTGTGC-3'
Protein context (NP_061496.2, residues 696-716): FTQDAQHSDL[Arg706Trp]DPHSRRQRSL

ClinVar aggregate classification (germline): Uncertain significance. Review status: criteria provided, multiple submitters, no conflicts (2 of 4 stars). 2 submissions from 2 submitters: Uncertain significance (2). Last evaluated 2024-08-06.

Allele frequency attached by ClinVar (database versions not stated): TOPMed 0.00002; gnomAD 0.00003 and 0.00004; gnomAD exomes 0.00004; ExAC 0.00005.
gnomAD v4.1: 40 of 1,613,172 alleles (0.0025%); highest among the groups gnomAD compares: East Asian, 0.0089%; no homozygotes.

Submissions (2):

Labcorp Genetics (formerly Invitae), Labcorp
Classification: Uncertain significance. Last evaluated: 2024-08-06. Review status: criteria provided, single submitter. Criteria: Invitae Variant Classification Sherloc (09022015). Collection method: clinical testing. Allele origin: germline.
Comment: This sequence change replaces arginine, which is basic and polar, with tryptophan, which is neutral and slightly polar, at codon 706 of the CACNA1G protein (p.Arg706Trp). This variant is present in population databases (rs767949010, gnomAD 0.008%), and has an allele count higher than expected for a pathogenic variant. This variant has not been reported in the literature in individuals affected with CACNA1G-related conditions. ClinVar contains an entry for this variant (Variation ID: 1314705). Advanced modeling of protein sequence and biophysical properties (such as structural, functional, and spatial information, amino acid conservation, physicochemical variation, residue mobility, and thermodynamic stability) has been performed at Invitae for this missense variant, however the output from this modeling did not meet the statistical confidence thresholds required to predict the impact of this variant on CACNA1G protein function. In summary, the available evidence is currently insufficient to determine the role of this variant in disease. Therefore, it has been classified as a Variant of Uncertain Significance.

GeneDx
Classification: Uncertain significance. Last evaluated: 2021-04-22. Review status: criteria provided, single submitter. Criteria: GeneDx Variant Classification Process June 2021. Collection method: clinical testing. Allele origin: germline. Affected: yes.
Comment: In silico analysis supports that this missense variant has a deleterious effect on protein structure/function; Has not been previously published as pathogenic or benign to our knowledge